The following is an entry in ClinVar:

NM_000051.4(ATM):c.3378A>G (p.Lys1126=)

Gene: ATM (ATM serine/threonine kinase; plus strand). Cytogenetic location: 11q22.3.
Variant type: single nucleotide variant.
Coding change: c.3378A>G on transcript NM_000051.4 (MANE Select); coding-DNA position 3378, A replaced by G.
Protein change: p.Lys1126=; no amino-acid change (lysine 1126 retained).
Molecular consequence: synonymous variant.
Genome position (GRCh38, 1-based): chr11:108,279,584, A>G. VCF-style: chr11-108279584-A-G. GRCh37 (hg19) VCF-style: chr11-108150311-A-G.
Other names: c.3378A>G, p.Lys1126= (NM_001351834.2).
Identifiers: ClinVar variation 185308 (VCV000185308.67), dbSNP rs149182949, ClinGen allele CA191584.
Genomic context (GRCh38, chr11:108,279,584, plus strand): 5'-GTTACTGAAAGCACTTCCTTTGAAGCTTCAGCAAACAGCTTTTGAAAATGCATACTTGAA[A>G]GCTCAGGAAGGAATGAGAGAAATGGTAATTTTAAGTAACATGTATTTGCTGTTATCATAT-3'
Protein context (NP_000042.3, residues 1116-1136): QQTAFENAYL[Lys1126=]AQEGMREMSH

ClinVar aggregate classification (germline): Conflicting classifications of pathogenicity. Review status: criteria provided, conflicting classifications (1 of 4 stars). 15 submissions from 15 submitters: Uncertain significance (3); Benign (2); Likely benign (6). 4 of the submissions do not count toward it. Last evaluated 2026-01-11.

Conditions:
ATM-related disorder. Also called: ATM-related disorders; ATM-related condition.
Hereditary cancer-predisposing syndrome. Also called: Tumor predisposition; Neoplastic Syndromes, Hereditary; Hereditary Cancer Syndrome; Hereditary neoplastic syndrome. Identifiers: Orphanet 140162, MedGen C0027672, MeSH D009386, MONDO:0015356.
Familial cancer of breast. Also called: hereditary breast carcinoma; BREAST CANCER, FAMILIAL; Hereditary breast cancer. Identifiers: Orphanet 227535, MedGen C0346153, MONDO:0016419, OMIM 114480. Disease mechanism: loss of function.
Ataxia-telangiectasia syndrome (AT). Also called: LOUIS-BAR SYNDROME; Ataxia-telangiectasia, complementation group D; Ataxia telangiectasia (A-T); AT, COMPLEMENTATION GROUP C; ATAXIA-TELANGIECTASIA, COMPLEMENTATION GROUP A; ATAXIA-TELANGIECTASIA, FRESNO VARIANT. Identifiers: Orphanet 100, MedGen C0004135, MONDO:0008840, OMIM 208900.
Malignant tumor of breast. Also called: Malignant breast neoplasm; Cancer breast. Identifiers: MedGen C0006142, MONDO:0007254. Disease mechanism: loss of function.

Allele frequency attached by ClinVar (database versions not stated): ESP Exome Variant Server 0.00015; gnomAD 0.00003 and 0.00004; TOPMed 0.00003; ExAC 0.00005; gnomAD exomes 0.00005.
gnomAD v4.1: 77 of 1,612,216 alleles (0.0048%); highest among the groups gnomAD compares: Non-Finnish European, 0.0064%; no homozygotes.

Submissions (15):

Labcorp Genetics (formerly Invitae), Labcorp
Classification: Likely benign for Ataxia-telangiectasia syndrome. Last evaluated: 2026-01-11. Review status: criteria provided, single submitter. Criteria: Invitae Variant Classification Sherloc (09022015). Collection method: clinical testing. Allele origin: germline.

Women's Health and Genetics/Laboratory Corporation of America, LabCorp
Classification: Likely benign. Last evaluated: 2025-11-29. Review status: criteria provided, single submitter. Criteria: LabCorp Variant Classification Summary - May 2015. Collection method: clinical testing. Allele origin: germline.

CeGaT Center for Human Genetics Tuebingen
Classification: Likely benign. Last evaluated: 2024-11-01. Review status: criteria provided, single submitter. Criteria: CeGaT Center For Human Genetics Tuebingen Variant Classification Criteria Version 2. Collection method: clinical testing. Allele origin: germline. Affected: yes. Observed: 4 variant alleles.
Comment: ATM: BP4

Quest Diagnostics Nichols Institute San Juan Capistrano
Classification: Uncertain significance. Last evaluated: 2024-10-14. Review status: criteria provided, single submitter. Criteria: Quest Diagnostics criteria. Collection method: clinical testing. Allele origin: unknown.
Comment: The ATM c.3378A>G (p.Lys1126=) synonymous variant has been reported in the published literature in individuals with breast cancer (PMID: 28779002 (2017), 29522266 (2018), 32885271 (2021)). The frequency of this variant in the general population, 0.00012 (15/128776 chromosomes (Genome Aggregation Database)), is uninformative in the assessment of its pathogenicity. Analysis of this variant using software algorithms for the prediction of the effect of nucleotide changes on splicing yielded predictions that this variant does not affect ATM mRNA splicing. Based on the available information, we are unable to determine the clinical significance of this variant.

Blueprint Genetics
Classification: Likely benign. Last evaluated: 2024-09-02. Review status: criteria provided, single submitter. Criteria: ACMG Guidelines, 2015. Collection method: clinical testing. Allele origin: germline.

Myriad Genetics, Inc.
Classification: Benign for Familial cancer of breast. Last evaluated: 2024-05-14. Review status: criteria provided, single submitter. Criteria: Myriad Autosomal Dominant, Autosomal Recessive and X-Linked Classification Criteria (2023). Collection method: clinical testing. Allele origin: unknown.
Comment: This variant is considered benign. This variant is a silent/synonymous amino acid change and it is not expected to impact splicing.

Athena Diagnostics
Classification: Uncertain significance. Last evaluated: 2023-12-20. Review status: criteria provided, single submitter. Criteria: Athena Diagnostics Criteria. Collection method: clinical testing. Allele origin: unknown.
Comment: Available data are insufficient to determine the clinical significance of the variant at this time. The frequency of this variant in the general population is uninformative in assessment of its pathogenicity. Computational tools yielded predictions that this variant is unlikely to have an effect on normal RNA splicing.

Sema4
Classification: Uncertain significance for Hereditary cancer-predisposing syndrome. Last evaluated: 2021-04-20. Review status: criteria provided, single submitter. Criteria: Sema4 Curation Guidelines. Collection method: curation. Allele origin: germline.
Comment: The ATM c.3378A>G (p.K1126=) variant has not been reported in the literature to our knowledge. It was observed in 15/128776 chromosomes, including 0 homozygotes, of the African/African American subpopulation in the large and broad cohorts of the Genome Aggregation Database (PMID: 32461654). The variant has been reported in ClinVar (Variation ID: 185308). In silico tools suggest the variant may potentially have an impact on splicing, though these predictions have not been confirmed by functional studies. The evidence is insufficient to meet ACMG/AMP criteria for classifying the variant as benign or pathogenic. Thus, the clinical significance of this variant is currently uncertain.

Color Diagnostics, LLC DBA Color Health
Classification: Likely benign for Hereditary cancer-predisposing syndrome. Last evaluated: 2016-04-25. Review status: criteria provided, single submitter. Criteria: ACMG Guidelines, 2015. Collection method: clinical testing. Allele origin: germline.

GeneDx
Classification: Benign. Last evaluated: 2015-03-03. Review status: criteria provided, single submitter. Criteria: GeneDx Variant Classification Process June 2021. Collection method: clinical testing. Allele origin: germline. Affected: yes.

Ambry Genetics
Classification: Likely benign for Hereditary cancer-predisposing syndrome. Last evaluated: 2014-06-20. Review status: criteria provided, single submitter. Criteria: Ambry Variant Classification Scheme 2023. Collection method: clinical testing. Allele origin: germline.

PreventionGenetics, part of Exact Sciences
Classification: Likely benign for ATM-related condition. Last evaluated: 2020-02-27. Review status: no assertion criteria provided. Collection method: clinical testing. Allele origin: germline. Not counted in ClinVar's aggregate classification.
Comment: This variant is classified as likely benign based on ACMG/AMP sequence variant interpretation guidelines (Richards et al. 2015 PMID: 25741868, with internal and published modifications).

True Health Diagnostics
Classification: Likely benign for Hereditary cancer-predisposing syndrome. Last evaluated: 2018-10-03. Review status: no assertion criteria provided. Collection method: clinical testing. Allele origin: germline. Not counted in ClinVar's aggregate classification.

Counsyl
Classification: Likely benign for Ataxia-telangiectasia syndrome. Last evaluated: 2018-04-30. Review status: no assertion criteria provided. Collection method: clinical testing. Allele origin: unknown. Not counted in ClinVar's aggregate classification.

Department of Pathology and Laboratory Medicine, Sinai Health System
Classification: Uncertain significance for Malignant tumor of breast. Review status: no assertion criteria provided. Collection method: clinical testing. Allele origin: unknown. Affected: yes. Observed: 1 variant allele. Study: The Canadian Open Genetics Repository (COGR). Not counted in ClinVar's aggregate classification.
Comment: The ATM p.Lys1126= variant was identified in 1 of 26174 proband chromosomes (frequency: 0.00004) from individuals or families with breast cancer (Decker 2017). The variant was also identified in dbSNP (ID: rs149182949) as "With Likely benign allele" and ClinVar (classified as likely benign by Ambry Genetics, Invitae, Color Genomics, and Counsyl). The variant was not identified in the GeneInsight-COGR, Cosmic, or LOVD 3.0 databases. The variant was identified in control databases in 15 of 276638 chromosomes at a frequency of 0.00005 (Genome Aggregation Database Feb 27, 2017). The variant was observed in European population in 15 of 126256 chromosomes (freq: 0.0001), while the variant was not observed in the African, Other, Latino, Ashkenazi Jewish, East Asian, Finnish, or South Asian populations. The p.Lys1126= variant is not expected to have clinical significance because it does not result in a change of amino acid and is not located in a known consensus splice site. However, 2 of 4 in silico or computational prediction software programs (SpliceSiteFinder, MaxEntScan, NNSPLICE, GeneSplicer) predict a greater than 10% difference in splicing; this is not very predictive of pathogenicity. In summary, based on the above information, the clinical significance of this variant cannot be determined with certainty at this time. This variant is classified as a variant of uncertain significance.

Literature cited by the submitters: PubMed 32885271 (cited by Quest Diagnostics Nichols Institute San Juan Capistrano and Athena Diagnostics); PubMed 29522266 (cited by Quest Diagnostics Nichols Institute San Juan Capistrano and Athena Diagnostics); PubMed 28779002 (cited by Quest Diagnostics Nichols Institute San Juan Capistrano and Athena Diagnostics).